The following is an entry in ClinVar:

NM_004970.3(IGFALS):c.519G>A (p.Trp173Ter)

Gene: IGFALS (insulin like growth factor binding protein acid labile subunit; minus strand). Cytogenetic location: 16p13.3.
Variant type: single nucleotide variant.
Coding change: c.519G>A on transcript NM_004970.3 (MANE Select); coding-DNA position 519, G replaced by A.
Protein change: p.Trp173Ter; replaces tryptophan 173 with a stop codon.
Molecular consequence: nonsense. On other transcripts: non-coding transcript variant (1).
Genome position (GRCh38, 1-based): chr16:1,791,899, C>T on the plus strand (G>A on the coding strand, the complement: IGFALS is on the minus strand). VCF-style: chr16-1791899-C-T. GRCh37 (hg19) VCF-style: chr16-1841900-C-T.
Other names: c.633G>A, p.Trp211Ter (NM_001146006.2); short protein forms W173*, W211*.
Identifiers: ClinVar variation 1304119 (VCV001304119.3), dbSNP rs752030883, ClinGen allele CA7820559.

ClinVar aggregate classification (germline): Uncertain significance (1 of 4 stars; one submission).

Allele frequency attached by ClinVar (database versions not stated): TOPMed 0.00005; gnomAD exomes 0.00010 and 0.00004; gnomAD 0.00001; ExAC 0.00005.
gnomAD v4.1: 24 of 1,572,326 alleles (0.0015%); highest among the groups gnomAD compares: Admixed American, 0.044%; no homozygotes.

Submission:

GeneDx
Classification: Uncertain significance. Last evaluated: 2026-08-01. Review status: criteria provided, single submitter. Criteria: GeneDx Variant Classification Process June 2021. Collection method: clinical testing. Allele origin: germline.
Comment: Nonsense variant predicted to result in protein truncation, as the last 433 amino acids are lost, and other loss-of-function variants have been reported downstream in HGMD; Has not been previously published as pathogenic or benign to our knowledge